The following is an entry in ClinVar:

NM_130384.3(ATRIP):c.2119C>T (p.Pro707Ser)

Genes: ATRIP (ATR interacting protein; plus strand), ATRIP-TREX1 (ATRIP-TREX1 readthrough; plus strand). Cytogenetic location: 3p21.31.
Variant type: single nucleotide variant.
Coding change: c.2119C>T on transcript NM_130384.3 (MANE Select); coding-DNA position 2119, C replaced by T.
Protein change: p.Pro707Ser; replaces proline 707 with serine.
Molecular consequence: missense variant. On other transcripts: non-coding transcript variant (1).
Genome position (GRCh38, 1-based): chr3:48,464,894, C>T. VCF-style: chr3-48464894-C-T. GRCh37 (hg19) VCF-style: chr3-48506293-C-T.
Other names: c.1738C>T, p.Pro580Ser (NM_001271022.2); c.1840C>T, p.Pro614Ser (NM_001271023.2); c.2038C>T, p.Pro680Ser (NM_032166.4); short protein forms P614S, P680S, P707S, P580S.
Identifiers: ClinVar variation 4182200 (VCV004182200.1).

ClinVar aggregate classification (germline): Uncertain significance (1 of 4 stars; one submission).

gnomAD v4.1: 2 of 1,613,972 alleles (0.00012%); highest among the groups gnomAD compares: East Asian, 0.0045%; no homozygotes.

Submission:

Ambry Genetics
Classification: Uncertain significance. Last evaluated: 2025-07-19. Review status: criteria provided, single submitter. Criteria: Ambry Variant Classification Scheme 2023. Collection method: clinical testing. Allele origin: germline.
Comment: The p.P707S variant (also known as c.2119C>T), located in coding exon 12 of the ATRIP gene, results from a C to T substitution at nucleotide position 2119. The proline at codon 707 is replaced by serine, an amino acid with similar properties. This amino acid position is conserved. In addition, this alteration is predicted to be tolerated by in silico analysis. Based on the available evidence, the clinical significance of this variant remains unclear.